The following is an entry in ClinVar:

NM_001625.4(AK2):c.614_615del (p.Gly205fs)

Gene: AK2 (adenylate kinase 2; minus strand). Cytogenetic location: 1p35.1.
Variant type: Deletion.
Coding change: c.614_615del on transcript NM_001625.4 (MANE Select); coding-DNA positions 614 to 615, 2 bases deleted (GG; older notation c.614_615delGG).
Protein change: p.Gly205fs; shifts the reading frame from glycine 205.
Molecular consequence: frameshift variant. On other transcripts: 3 prime UTR variant (1), non-coding transcript variant (1).
Genome position (GRCh38, 1-based): chr1:33,013,286-33,013,287, CC deleted on the plus strand (GG on the coding strand, the reverse complement: AK2 is on the minus strand); deleting any 2 consecutive bases within chr1:33,013,286-33,013,290 gives the same sequence; the c. name uses the placement nearest the transcript's 3' end. VCF-style (leftmost placement, unchanged base first): chr1-33013285-TCC-T. GRCh37 (hg19) VCF-style: chr1-33478886-TCC-T.
Other names: c.590_591del, p.Gly197fs (NM_001199199.3); c.470_471del, p.Gly157fs (NM_001319139.3, NM_001319140.2); c.614_615del, p.Gly205fs (NM_001319141.3, NM_013411.5); c.488_489del, p.Gly163fs (NM_001319142.3); c.*117_*118del (NM_001319143.2); short protein forms G157fs, G163fs, G197fs, G205fs.
Identifiers: ClinVar variation 1067803 (VCV001067803.9), dbSNP rs746465070, ClinGen allele CA747054.

ClinVar aggregate classification (germline): Likely pathogenic (1 of 4 stars; one submission).

Conditions:
Reticular dysgenesis. Also called: ALEUKOCYTOSIS; CONGENITAL ALEUKIA; HEMATOPOIETIC HYPOPLASIA, GENERALIZED; RETICULAR DYSGENESIA; SEVERE COMBINED IMMUNODEFICIENCY WITH LEUKOPENIA; DeVaal disease. Identifiers: Orphanet 33355, MedGen C0272167, MONDO:0009973, OMIM 267500.

Submission:

Labcorp Genetics (formerly Invitae), Labcorp
Classification: Likely pathogenic for Reticular dysgenesis. Last evaluated: 2020-09-09. Review status: criteria provided, single submitter. Criteria: Invitae Variant Classification Sherloc (09022015). Collection method: clinical testing. Allele origin: germline.
Comment: In summary, the currently available evidence indicates that the variant is pathogenic, but additional data are needed to prove that conclusively. Therefore, this variant has been classified as Likely Pathogenic. Experimental studies and prediction algorithms are not available or were not evaluated, and the functional significance of this variant is currently unknown. This variant has been observed in combination with another AK2 variant in an individual affected with reticular dysgenesis (PMID: 19414857). This variant is present in population databases (rs746465070, ExAC 0.001%). This sequence change results in a premature translational stop signal in the AK2 gene (p.Gly205Aspfs*28). While this is not anticipated to result in nonsense mediated decay, it is expected to disrupt the last 35 amino acids of the AK2 protein.

Literature cited by the submitters: PubMed 19414857.